The following is an entry in ClinVar:

NM_005591.4(MRE11):c.486A>G (p.Ile162Met)

Gene: MRE11 (MRE11 double strand break repair nuclease; minus strand). Cytogenetic location: 11q21.
Variant type: single nucleotide variant.
Coding change: c.486A>G on transcript NM_005591.4 (MANE Select); coding-DNA position 486, A replaced by G.
Protein change: p.Ile162Met; replaces isoleucine 162 with methionine.
Molecular consequence: missense variant.
Genome position (GRCh38, 1-based): chr11:94,478,793, T>C on the plus strand (A>G on the coding strand, the complement: MRE11 is on the minus strand). VCF-style: chr11-94478793-T-C. GRCh37 (hg19) VCF-style: chr11-94211959-T-C.
Other names: c.486A>G, p.Ile162Met (NM_001330347.2, NM_005590.4); short protein forms I162M.
Identifiers: ClinVar variation 2451359 (VCV002451359.2), dbSNP rs2496555900, ClinGen allele CA382377459.
Genomic context (GRCh38, chr11:94,478,793, plus strand): 5'-ACCTAAACCATATAGCGCAATCTTTGTGCTTCCTTTTTGAAGCAAAACCGGACTAATGTC[T>C]ATCTTCTCCACAGACATTGAACGTCCAAAGTGATTTACAAATCCAGCACAACTTAAAATG-3'
Protein context (NP_005582.1, residues 152-172): HFGRSMSVEK[Ile162Met]DISPVLLQKG

ClinVar aggregate classification (germline): Uncertain significance (1 of 4 stars; one submission).

Conditions:
Hereditary cancer-predisposing syndrome. Also called: Neoplastic Syndromes, Hereditary; Tumor predisposition; Hereditary neoplastic syndrome; Hereditary Cancer Syndrome. Identifiers: Orphanet 140162, MedGen C0027672, MeSH D009386, MONDO:0015356.

Submission:

Ambry Genetics
Classification: Uncertain significance for Hereditary cancer-predisposing syndrome. Last evaluated: 2022-12-11. Review status: criteria provided, single submitter. Criteria: Ambry Variant Classification Scheme 2023. Collection method: clinical testing. Allele origin: germline.
Comment: The p.I162M variant (also known as c.486A>G), located in coding exon 5 of the MRE11A gene, results from an A to G substitution at nucleotide position 486. The isoleucine at codon 162 is replaced by methionine, an amino acid with highly similar properties. This amino acid position is conserved. In addition, the in silico prediction for this alteration is inconclusive. Since supporting evidence is limited at this time, the clinical significance of this alteration remains unclear.